The following is an entry in ClinVar:

ClinVar aggregate classification (germline): Uncertain significance. Review status: criteria provided, multiple submitters, no conflicts (2 of 4 stars). 3 submissions from 3 submitters: Uncertain significance (2). 1 of the submissions does not count toward it. Last evaluated 2024-03-22.

Conditions:
Medulloblastoma (MDB). Also called: Medulloblastoma, somatic; MEDULLOBLASTOMA PREDISPOSITION SYNDROME. Identifiers: Orphanet 616, MedGen C0025149, MeSH D008527, MONDO:0007959, OMIM 155255, HP:0002885.
Familial dysautonomia. Also called: HSAN III; FD. Identifiers: Orphanet 1764, MedGen C0013364, MONDO:0009131, OMIM 223900. Disease mechanism: loss of function.

Allele frequency attached by ClinVar (database versions not stated): gnomAD 0.00003; TOPMed 0.00005.
gnomAD v4.1: 42 of 1,613,980 alleles (0.0026%); highest among the groups gnomAD compares: African/African-American, 0.015%; no homozygotes.

Submissions (3):

Fulgent Genetics
Classification: Uncertain significance for Medulloblastoma; Familial dysautonomia. Last evaluated: 2024-03-22. Review status: criteria provided, single submitter. Criteria: ACMG Guidelines, 2015. Collection method: clinical testing. Allele origin: germline.

Labcorp Genetics (formerly Invitae), Labcorp
Classification: Uncertain significance. Last evaluated: 2022-02-05. Review status: criteria provided, single submitter. Criteria: Invitae Variant Classification Sherloc (09022015). Collection method: clinical testing. Allele origin: germline.
Comment: This sequence change replaces arginine, which is basic and polar, with tryptophan, which is neutral and slightly polar, at codon 379 of the ELP1 protein (p.Arg379Trp). This variant is present in population databases (rs766255360, gnomAD 0.01%). This variant has not been reported in the literature in individuals affected with ELP1-related conditions. ClinVar contains an entry for this variant (Variation ID: 566718). Algorithms developed to predict the effect of missense changes on protein structure and function are either unavailable or do not agree on the potential impact of this missense change (SIFT: "Tolerated"; PolyPhen-2: "Probably Damaging"; Align-GVGD: "Class C0"). In summary, the available evidence is currently insufficient to determine the role of this variant in disease. Therefore, it has been classified as a Variant of Uncertain Significance.

Natera, Inc.
Classification: Uncertain significance for Familial dysautonomia. Last evaluated: 2020-07-15. Review status: no assertion criteria provided. Collection method: clinical testing. Allele origin: germline. Not counted in ClinVar's aggregate classification.

NM_003640.5(ELP1):c.1135C>T (p.Arg379Trp)

Gene: ELP1 (elongator acetyltransferase complex subunit 1; minus strand). Cytogenetic location: 9q31.3.
Variant type: single nucleotide variant.
Coding change: c.1135C>T on transcript NM_003640.5 (MANE Select); coding-DNA position 1135, C replaced by T.
Protein change: p.Arg379Trp; replaces arginine 379 with tryptophan.
Molecular consequence: missense variant.
Genome position (GRCh38, 1-based): chr9:108,912,318, G>A on the plus strand (C>T on the coding strand, the complement: ELP1 is on the minus strand). VCF-style: chr9-108912318-G-A. GRCh37 (hg19) VCF-style: chr9-111674598-G-A.
Other names: c.1135C>T (LRG_251t1); c.793C>T, p.Arg265Trp (NM_001318360.2); c.88C>T, p.Arg30Trp (NM_001330749.2); short protein forms R379W, R30W, R265W.
Identifiers: ClinVar variation 566718 (VCV000566718.9), dbSNP rs766255360, ClinGen allele CA5175112.